The following is an entry in ClinVar:

ClinVar aggregate classification (germline): Pathogenic. Review status: criteria provided, multiple submitters, no conflicts (2 of 4 stars). 2 submissions from 2 submitters: Pathogenic (2). Last evaluated 2025-10-07.

Conditions:
Hereditary cancer-predisposing syndrome. Also called: Hereditary Cancer Syndrome; Tumor predisposition; Neoplastic Syndromes, Hereditary; Hereditary neoplastic syndrome. Identifiers: Orphanet 140162, MedGen C0027672, MeSH D009386, MONDO:0015356.
DICER1-related tumor predisposition. Also called: DICER1-related pleuropulmonary blastoma cancer predisposition syndrome; DICER1 syndrome. Identifiers: Orphanet 284343, MedGen C3839822, MONDO:0100216.

Submissions (2):

Labcorp Genetics (formerly Invitae), Labcorp
Classification: Pathogenic for DICER1-related tumor predisposition. Last evaluated: 2025-10-07. Review status: criteria provided, single submitter. Criteria: Invitae Variant Classification Sherloc (09022015). Collection method: clinical testing. Allele origin: germline.
Comment: This sequence change creates a premature translational stop signal (p.Gln1201*) in the DICER1 gene. It is expected to result in an absent or disrupted protein product. Loss-of-function variants in DICER1 are known to be pathogenic (PMID: 19556464, 21266384). This variant is not present in population databases (gnomAD no frequency). This variant has not been reported in the literature in individuals affected with DICER1-related conditions. ClinVar contains an entry for this variant (Variation ID: 3229384). For these reasons, this variant has been classified as Pathogenic.

Ambry Genetics
Classification: Pathogenic for Hereditary cancer-predisposing syndrome. Last evaluated: 2024-02-15. Review status: criteria provided, single submitter. Criteria: Ambry Variant Classification Scheme 2023. Collection method: clinical testing. Allele origin: germline.
Comment: The p.Q1201* pathogenic mutation (also known as c.3601C>T), located in coding exon 20 of the DICER1 gene, results from a C to T substitution at nucleotide position 3601. This changes the amino acid from a glutamine to a stop codon within coding exon 20. This alteration is expected to result in loss of function by premature protein truncation or nonsense-mediated mRNA decay. As such, this alteration is interpreted as a disease-causing mutation.

Literature cited by the submitters: PubMed 19556464 (cited by Labcorp Genetics (formerly Invitae), Labcorp); PubMed 21266384 (cited by Labcorp Genetics (formerly Invitae), Labcorp).

NM_177438.3(DICER1):c.3601C>T (p.Gln1201Ter)

Gene: DICER1 (dicer 1, ribonuclease III; minus strand). Cytogenetic location: 14q32.13.
Variant type: single nucleotide variant.
Coding change: c.3601C>T on transcript NM_177438.3 (MANE Select); coding-DNA position 3601, C replaced by T.
Protein change: p.Gln1201Ter; replaces glutamine 1201 with a stop codon.
Molecular consequence: nonsense. On other transcripts: non-coding transcript variant (6).
Genome position (GRCh38, 1-based): chr14:95,103,795, G>A on the plus strand (C>T on the coding strand, the complement: DICER1 is on the minus strand). VCF-style: chr14-95103795-G-A. GRCh37 (hg19) VCF-style: chr14-95570132-G-A.
Other names: c.3601C>T, p.Gln1201Ter (NM_001195573.1, NM_001271282.3, NM_001291628.2 and 13 more transcripts); c.3319C>T, p.Gln1107Ter (NM_001395686.1); c.3196C>T, p.Gln1066Ter (NM_001395687.1, NM_001395688.1, NM_001395689.1 and 2 more transcripts); c.3034C>T, p.Gln1012Ter (NM_001395691.1); c.1918C>T, p.Gln640Ter (NM_001395697.1); short protein forms Q1012*, Q1066*, Q1107*, Q1201*, Q640*.
Identifiers: ClinVar variation 3229384 (VCV003229384.2), dbSNP rs1566768179, ClinGen allele CA390874739.
Genomic context (GRCh38, chr14:95,103,795, plus strand): 5'-TCTGAATGGAATATGAGGTAGTTGGTTGCACGGGTATTTCCTGCTTGTAGTAATTTAGCT[G>A]ATTTCCTTGGCAAAAGTCTCTGTTAGCTAAATCATAACTGCCATTGGCGAGATTTTGATT-3'